The following is an entry in ClinVar:

NM_018238.4(AGK):c.424-2del

Gene: AGK (acylglycerol kinase; plus strand). Cytogenetic location: 7q34.
Variant type: Deletion.
Coding change: c.424-2del on transcript NM_018238.4 (MANE Select); the canonical splice acceptor site of the intron before coding-DNA position 424, one base deleted (A; older notation c.424-2delA).
Molecular consequence: splice acceptor variant.
Genome position (GRCh38, 1-based): chr7:141,615,469, A deleted. VCF-style (leftmost placement, unchanged base first): chr7-141615468-CA-C. GRCh37 (hg19) VCF-style: chr7-141315268-CA-C.
Other names: c.424-2del (NM_001364948.3).
Identifiers: ClinVar variation 5007167 (VCV005007167.2).

ClinVar aggregate classification (germline): Likely pathogenic (1 of 4 stars; one submission).

Conditions:
Cataract 38. Also called: Cataract, autosomal recessive congenital 5; Cataract 38, autosomal recessive. Identifiers: Orphanet 91492, MedGen C3553494, MONDO:0013859, OMIM 614691.
Sengers syndrome. Also called: MITOCHONDRIAL DNA DEPLETION SYNDROME 10 (CARDIOMYOPATHIC TYPE); Cardiomyopathy and cataract. Identifiers: Orphanet 1369, MedGen C1859317, MONDO:0008922, OMIM 212350.

Submission:

Juno Genomics, Hangzhou Juno Genomics, Inc
Classification: Likely pathogenic for Cataract 38; Sengers syndrome. Review status: criteria provided, single submitter. Criteria: ACMG Guidelines, 2015. Collection method: clinical testing. Allele origin: germline.
Comment: Null variant in a gene where loss of function (LOF) is a known mechanism of disease.;Absent from controls (or at extremely low frequency if recessive) in Genome Aggregation Database.